The following is an entry in ClinVar:

ClinVar aggregate classification (germline): Uncertain significance (1 of 4 stars; one submission).

Conditions:
Primary ciliary dyskinesia 7. Also called: CILIARY DYSKINESIA, PRIMARY, 7, WITH OR WITHOUT SITUS INVERSUS. Identifiers: Orphanet 244, MedGen C2678473, MONDO:0012748, OMIM 611884.

gnomAD v4.1: 1 of 1,613,868 alleles (0.000062%); highest among the groups gnomAD compares: Non-Finnish European, 0.000085%; no homozygotes.

Submission:

Broad Center for Mendelian Genomics, Broad Institute of MIT and Harvard
Classification: Uncertain significance for Primary ciliary dyskinesia 7. Last evaluated: 2025-02-14. Review status: criteria provided, single submitter. Criteria: ACMG Guidelines, 2015. Collection method: curation. Allele origin: germline. Inheritance: Autosomal recessive inheritance.
Comment: The p.Ser2305Arg variant in DNAH11 has been reported in 1 individual with primary ciliary dyskinesia (PMID: 33577779), and has been identified in 0.00008% (1/1179824) of European (non-Finnish) chromosomes by the Genome Aggregation Database (gnomAD). Although this variant has been seen in the general population in a heterozygous state, its frequency is low enough to be consistent with a recessive carrier frequency. Computational prediction tools and conservation analyses do not provide strong support for or against an impact to the protein. In summary, the clinical significance of the p.Ser2305Arg variant is uncertain. ACMG/AMP Criteria applied: PM2_supporting (Richards 2015).

NM_001277115.2(DNAH11):c.6915C>G (p.Ser2305Arg)

Gene: DNAH11 (dynein axonemal heavy chain 11; plus strand). Cytogenetic location: 7p15.3.
Variant type: single nucleotide variant.
Coding change: c.6915C>G on transcript NM_001277115.2 (MANE Select); coding-DNA position 6915, C replaced by G.
Protein change: p.Ser2305Arg; replaces serine 2305 with arginine.
Molecular consequence: missense variant.
Genome position (GRCh38, 1-based): chr7:21,711,792, C>G. VCF-style: chr7-21711792-C-G. GRCh37 (hg19) VCF-style: chr7-21751410-C-G.
Other names: NM_001277115.2:c.6915C>G; short protein forms S2305R.
Identifiers: ClinVar variation 3776931 (VCV003776931.1).